The following is an entry in ClinVar:

ClinVar aggregate classification (germline): Uncertain significance (1 of 4 stars; one submission).

Allele frequency attached by ClinVar (database versions not stated): gnomAD exomes below 0.00001 and 0.00001; ExAC 0.00001; TOPMed 0.00002; ESP Exome Variant Server 0.00009.
gnomAD v4.1: 5 of 1,211,238 alleles (0.00041%); highest among the groups gnomAD compares: Non-Finnish European, 0.00011%; no homozygotes.

Submission:

GeneDx
Classification: Uncertain significance. Last evaluated: 2023-05-02. Review status: criteria provided, single submitter. Criteria: GeneDx Variant Classification Process June 2021. Collection method: clinical testing. Allele origin: germline. Affected: yes.
Comment: In silico analysis supports that this missense variant has a deleterious effect on protein structure/function; Has not been previously published as pathogenic or benign to our knowledge

NM_003491.4(NAA10):c.308A>G (p.Asn103Ser)

Gene: NAA10 (N-alpha-acetyltransferase 10, NatA catalytic subunit; minus strand). Cytogenetic location: Xq28.
Variant type: single nucleotide variant.
Coding change: c.308A>G on transcript NM_003491.4 (MANE Select); coding-DNA position 308, A replaced by G.
Protein change: p.Asn103Ser; replaces asparagine 103 with serine.
Molecular consequence: missense variant.
Genome position (GRCh38, 1-based): chrX:153,932,349, T>C on the plus strand (A>G on the coding strand, the complement: NAA10 is on the minus strand). VCF-style: chrX-153932349-T-C. GRCh37 (hg19) VCF-style: chrX-153197802-T-C.
Other names: c.308A>G, p.Asn103Ser (NM_001256119.2); c.290A>G, p.Asn97Ser (NM_001256120.2); short protein forms N103S, N97S.
Identifiers: ClinVar variation 1303273 (VCV001303273.3), dbSNP rs143447799, ClinGen allele CA10556195.